The following is an entry in ClinVar:

NM_000153.4(GALC):c.695C>G (p.Ser232Cys)

Gene: GALC (galactosylceramidase; minus strand). Cytogenetic location: 14q31.3.
Variant type: single nucleotide variant.
Coding change: c.695C>G on transcript NM_000153.4 (MANE Select); coding-DNA position 695, C replaced by G.
Protein change: p.Ser232Cys; replaces serine 232 with cysteine.
Molecular consequence: missense variant. On other transcripts: non-coding transcript variant (1).
Genome position (GRCh38, 1-based): chr14:87,976,415, G>C on the plus strand (C>G on the coding strand, the complement: GALC is on the minus strand). VCF-style: chr14-87976415-G-C. GRCh37 (hg19) VCF-style: chr14-88442759-G-C.
Other names: c.626C>G, p.Ser209Cys (NM_001201401.2); c.617C>G, p.Ser206Cys (NM_001201402.2); c.527C>G, p.Ser176Cys (NM_001424071.1, NM_001424072.1, NM_001424073.1); c.347C>G, p.Ser116Cys (NM_001424074.1, NM_001424075.1); c.62C>G, p.Ser21Cys (NM_001424076.1, NM_001424077.1); short protein forms S116C, S206C, S21C, S176C, S209C, S232C.
Identifiers: ClinVar variation 2851715 (VCV002851715.3), dbSNP rs2503476811, ClinGen allele CA390749496.
Genomic context (GRCh38, chr14:87,976,415, plus strand): 5'-TACCCTATAACATCAACCACCTTGAAGAGTTCGGCATCAAGGAGCATGGATGCAGAGATG[G>C]ACTCCCAGAGATTATCACTTGCTATGATTTTCACTCGCTGGAGACCTTGATAATTCAGCA-3'
Protein context (NP_000144.2, residues 222-242): KIIASDNLWE[Ser232Cys]ISASMLLDAE

ClinVar aggregate classification (germline): Uncertain significance (1 of 4 stars; one submission).

Conditions:
Galactosylceramide beta-galactosidase deficiency. Also called: GALC DEFICIENCY; GLOBOID CELL LEUKOENCEPHALOPATHY; Krabbe Disease; Leukodystrophy, Globoid Cell; GALACTOCEREBROSIDASE DEFICIENCY. Identifiers: Orphanet 487, MedGen C0023521, MONDO:0009499, OMIM 245200.

Submission:

Labcorp Genetics (formerly Invitae), Labcorp
Classification: Uncertain significance for Galactosylceramide beta-galactosidase deficiency. Last evaluated: 2023-04-03. Review status: criteria provided, single submitter. Criteria: Invitae Variant Classification Sherloc (09022015). Collection method: clinical testing. Allele origin: germline.
Comment: This sequence change replaces serine, which is neutral and polar, with cysteine, which is neutral and slightly polar, at codon 232 of the GALC protein (p.Ser232Cys). This variant is not present in population databases (gnomAD no frequency). This variant has not been reported in the literature in individuals affected with GALC-related conditions. Advanced modeling of protein sequence and biophysical properties (such as structural, functional, and spatial information, amino acid conservation, physicochemical variation, residue mobility, and thermodynamic stability) performed at Invitae indicates that this missense variant is expected to disrupt GALC protein function. In summary, the available evidence is currently insufficient to determine the role of this variant in disease. Therefore, it has been classified as a Variant of Uncertain Significance.